The following is an entry in ClinVar:

NM_001080472.4(FITM2):c.174-198TAAA[7]

Gene: FITM2 (fat storage inducing transmembrane protein 2; minus strand). Cytogenetic location: 20q13.12.
Variant type: Microsatellite.
Coding change: c.174-198TAAA[7] on transcript NM_001080472.4 (MANE Select); seven copies in a row of the 4-base unit TAAA starting at c.174-198; the reference has six copies in a row; one copy, 4 bases duplicated.
Molecular consequence: intron variant.
Genome position (GRCh38, 1-based): chr20:44,307,415-44,307,418, TTTA duplicated on the plus strand (TAAA on the coding strand, the reverse complement: FITM2 is on the minus strand); duplicating any 4 consecutive bases within chr20:44,307,415-44,307,441 gives the same sequence; the position shown is the placement nearest the transcript's 3' end. VCF-style (leftmost placement, unchanged base first): chr20-44307414-C-CTTTA. GRCh37 (hg19) VCF-style: chr20-42936054-C-CTTTA.
Identifiers: ClinVar variation 1678796 (VCV001678796.2), dbSNP rs574367544, ClinGen allele CA315393109.
Genomic context (GRCh38, chr20:44,307,414, plus strand): 5'-CTACAGCTCATAGCAACTATCATGTTTTAGGTACTTACCATATACTTCACTTACTAAGTA[C>CTTTA]TTTATTTATTTATTTATTTATTTATTTTTGAGACAGAGTCTCGCTCTGTCACTCGGGCTG-3'

ClinVar aggregate classification (germline): Likely benign (1 of 4 stars; one submission).

Submission:

GeneDx
Classification: Likely benign. Last evaluated: 2021-05-31. Review status: criteria provided, single submitter. Criteria: GeneDx Variant Classification Process June 2021. Collection method: clinical testing. Allele origin: germline. Affected: yes.
Comment: See Variant Classification Assertion Criteria.